The following is an entry in ClinVar:

ClinVar aggregate classification (germline): Uncertain significance. Review status: criteria provided, multiple submitters, no conflicts (2 of 4 stars). 2 submissions from 2 submitters: Uncertain significance (2). Last evaluated 2024-12-17.

Conditions:
KSR2-related disorder. Also called: KSR2-related condition.

gnomAD v4.1: 14 of 1,613,606 alleles (0.00087%); highest among the groups gnomAD compares: African/African-American, 0.0013%; no homozygotes.

Submissions (2):

Ambry Genetics
Classification: Uncertain significance. Last evaluated: 2024-12-17. Review status: criteria provided, single submitter. Criteria: Ambry Variant Classification Scheme 2023. Collection method: clinical testing. Allele origin: germline.

PreventionGenetics, part of Exact Sciences
Classification: Uncertain significance for KSR2-related condition. Last evaluated: 2024-12-12. Review status: criteria provided, single submitter. Criteria: ACMG Guidelines, 2015. Collection method: clinical testing. Allele origin: germline.
Comment: The KSR2 c.2518G>A variant is predicted to result in the amino acid substitution p.Ala840Thr. To our knowledge, this variant has not been reported in the literature. This variant is reported in 0.0046% of alleles in individuals of European (Finnish) descent in gnomAD. At this time, the clinical significance of this variant is uncertain due to the absence of conclusive functional and genetic evidence.

NM_173598.6(KSR2):c.2605G>A (p.Ala869Thr)

Gene: KSR2 (kinase suppressor of ras 2; minus strand). Cytogenetic location: 12q24.22.
Variant type: single nucleotide variant.
Coding change: c.2605G>A on transcript NM_173598.6 (MANE Select); coding-DNA position 2605, G replaced by A.
Protein change: p.Ala869Thr; replaces alanine 869 with threonine.
Molecular consequence: missense variant.
Genome position (GRCh38, 1-based): chr12:117,471,298, C>T on the plus strand (G>A on the coding strand, the complement: KSR2 is on the minus strand). VCF-style: chr12-117471298-C-T. GRCh37 (hg19) VCF-style: chr12-117909103-C-T.
Other names: short protein forms A869T.
Identifiers: ClinVar variation 3866012 (VCV003866012.2).